The following is an entry in ClinVar:

NM_006245.4(PPP2R5D):c.621G>C (p.Trp207Cys)

Gene: PPP2R5D (protein phosphatase 2 regulatory subunit B'delta; plus strand). Cytogenetic location: 6p21.1.
Variant type: single nucleotide variant.
Coding change: c.621G>C on transcript NM_006245.4 (MANE Select); coding-DNA position 621, G replaced by C.
Protein change: p.Trp207Cys; replaces tryptophan 207 with cysteine.
Molecular consequence: missense variant.
Genome position (GRCh38, 1-based): chr6:43,007,294, G>C. VCF-style: chr6-43007294-G-C. GRCh37 (hg19) VCF-style: chr6-42975032-G-C.
Other names: c.168G>C, p.Trp56Cys (NM_001270476.2); c.525G>C, p.Trp175Cys (NM_180976.3); c.303G>C, p.Trp101Cys (NM_180977.3); short protein forms W101C, W175C, W207C, W56C.
Identifiers: ClinVar variation 1333678 (VCV001333678.4), dbSNP rs2150278805, ClinGen allele CA364185493.
Genomic context (GRCh38, chr6:43,007,294, plus strand): 5'-GAATCCCACAGGGGCTGAGTTTGACCCAGAGGAAGATGAGCCCACCCTGGAAGCTGCTTG[G>C]CCACATCTCCAGGTACCAGGGCAAGGGGGCAGATTGGCCGTGGCTGCAGGGAGTGGGGCA-3'
Protein context (NP_006236.1, residues 197-217): EEDEPTLEAA[Trp207Cys]PHLQLVYEFF

ClinVar aggregate classification (germline): Pathogenic/Likely pathogenic. Review status: criteria provided, multiple submitters, no conflicts (2 of 4 stars). 2 submissions from 2 submitters: Pathogenic (1); Likely pathogenic (1). Last evaluated 2026-01-24.

Conditions:
Houge-Janssens syndrome 1. Also called: PPP2R5D-Related Neurodevelopmental Disorder; Hogue-Janssens syndrome 1; INTELLECTUAL DEVELOPMENTAL DISORDER, AUTOSOMAL DOMINANT 35; Intellectual disability-macrocephaly-hypotonia-behavioral abnormalities syndrome. Identifiers: Orphanet 457279, MedGen C5779996, MONDO:0014602, OMIM 616355.

Submissions (2):

Labcorp Genetics (formerly Invitae), Labcorp
Classification: Pathogenic. Last evaluated: 2026-01-24. Review status: criteria provided, single submitter. Criteria: Invitae Variant Classification Sherloc (09022015). Collection method: clinical testing. Allele origin: germline.
Comment: This sequence change replaces tryptophan, which is neutral and slightly polar, with cysteine, which is neutral and slightly polar, at codon 207 of the PPP2R5D protein (p.Trp207Cys). This variant is not present in population databases (gnomAD no frequency). This missense change has been observed in individual(s) with clinical features of PPP2R5D-related conditions (internal data). In at least one individual the variant was observed to be de novo. ClinVar contains an entry for this variant (Variation ID: 1333678). An algorithm developed to predict the effect of missense changes on protein structure and function (PolyPhen-2) suggests that this variant is likely to be disruptive. This variant disrupts the p.Trp207 amino acid residue in PPP2R5D. Other variant(s) that disrupt this residue have been determined to be pathogenic (PMID: 24896178, 26168268). This suggests that this residue is clinically significant, and that variants that disrupt this residue are likely to be disease-causing. For these reasons, this variant has been classified as Pathogenic.

3billion
Classification: Likely pathogenic for Houge-Janssens syndrome 1. Last evaluated: 2022-01-03. Review status: criteria provided, single submitter. Criteria: ACMG Guidelines, 2015. Collection method: clinical testing. Allele origin: germline. Affected: yes. Observed: 1 heterozygote.
Comment: A different missense change at the same codon has been reported as pathogenic/likely pathogenic with strong evidence (ClinVar ID: VCV000280435, PMID:24896178, PM5_M). The variant is located in a well-established functional domain or exonic hotspot, where pathogenic variants have frequently reported (PM1_M). In silico tool predictions suggest damaging effect of the variant on gene or gene product (REVEL: 0.778, 3CNET: 0.978, PP3_P). A missense variant is a common mechanism associated with Mental retardation (PP2_P). It is not observed in the gnomAD v2.1.1 dataset (PM2_M). Therefore, this variant is classified as likely pathogenic according to the recommendation of ACMG/AMP guideline.

Literature cited by the submitters: PubMed 24896178 (cited by Labcorp Genetics (formerly Invitae), Labcorp and 3billion); PubMed 26168268 (cited by Labcorp Genetics (formerly Invitae), Labcorp).